The following is an entry in ClinVar:

ClinVar aggregate classification (germline): Uncertain significance (1 of 4 stars; one submission).

Submission:

Labcorp Genetics (formerly Invitae), Labcorp
Classification: Uncertain significance. Last evaluated: 2025-08-27. Review status: criteria provided, single submitter. Criteria: Invitae Variant Classification Sherloc (09022015). Collection method: clinical testing. Allele origin: germline.
Comment: This variant, c.387_410dup, results in the insertion of 8 amino acid(s) of the XYLT2 protein (p.Glu130_Gly137dup), but otherwise preserves the integrity of the reading frame. This variant is not present in population databases (gnomAD no frequency). This variant has not been reported in the literature in individuals affected with XYLT2-related conditions. In summary, the available evidence is currently insufficient to determine the role of this variant in disease. Therefore, it has been classified as a Variant of Uncertain Significance.

NM_022167.4(XYLT2):c.387_410dup (p.Gly137_Phe138insGluAlaLeuValGlyAlaAlaGly)

Gene: XYLT2 (xylosyltransferase 2; plus strand). Cytogenetic location: 17q21.33.
Variant type: Duplication.
Coding change: c.387_410dup on transcript NM_022167.4 (MANE Select); coding-DNA positions 387 to 410, 24 bases duplicated (GGAGGCGCTGGTAGGGGCAGCTGG).
Protein change: p.Gly137_Phe138insGluAlaLeuValGlyAlaAlaGly.
Molecular consequence: inframe insertion.
Genome position (GRCh38, 1-based): chr17:50,353,881-50,353,904, GGAGGCGCTGGTAGGGGCAGCTGG duplicated; duplicating any 24 consecutive bases within chr17:50,353,873-50,353,904 gives the same sequence; the c. name uses the placement nearest the transcript's 3' end. VCF-style (leftmost placement, unchanged base first): chr17-50353872-A-AGCAGCTGGGGAGGCGCTGGTAGGG. GRCh37 (hg19) VCF-style: chr17-48431233-A-AGCAGCTGGGGAGGCGCTGGTAGGG.
Identifiers: ClinVar variation 4716066 (VCV004716066.1).